The following is an entry in ClinVar:

NM_033004.4(NLRP1):c.3946G>A (p.Glu1316Lys)

Gene: NLRP1 (NLR family pyrin domain containing 1; minus strand). Cytogenetic location: 17p13.2.
Variant type: single nucleotide variant.
Coding change: c.3946G>A on transcript NM_033004.4 (MANE Select); coding-DNA position 3946, G replaced by A.
Protein change: p.Glu1316Lys; replaces glutamic acid 1316 with lysine.
Molecular consequence: missense variant.
Genome position (GRCh38, 1-based): chr17:5,517,857, C>T on the plus strand (G>A on the coding strand, the complement: NLRP1 is on the minus strand). VCF-style: chr17-5517857-C-T. GRCh37 (hg19) VCF-style: chr17-5421177-C-T.
Other names: c.3958G>A, p.Glu1320Lys (NM_001033053.3); c.3814G>A, p.Glu1272Lys (NM_014922.5); c.3856G>A, p.Glu1286Lys (NM_033006.4); c.3724G>A, p.Glu1242Lys (NM_033007.4); short protein forms E1272K, E1320K, E1316K, E1242K, E1286K.
Identifiers: ClinVar variation 2875271 (VCV002875271.3), dbSNP rs765031318, ClinGen allele CA8326690.

ClinVar aggregate classification (germline): Uncertain significance (1 of 4 stars; one submission).

Allele frequency attached by ClinVar (database versions not stated): gnomAD exomes below 0.00001; ExAC 0.00001; TOPMed 0.00001.
gnomAD v4.1: 1 of 1,614,188 alleles (0.000062%); highest among the groups gnomAD compares: Admixed American, 0.0017%; no homozygotes.

Submission:

Labcorp Genetics (formerly Invitae), Labcorp
Classification: Uncertain significance. Last evaluated: 2022-11-01. Review status: criteria provided, single submitter. Criteria: Invitae Variant Classification Sherloc (09022015). Collection method: clinical testing. Allele origin: germline.
Comment: This variant is present in population databases (rs765031318, gnomAD 0.003%). This sequence change replaces glutamic acid, which is acidic and polar, with lysine, which is basic and polar, at codon 1316 of the NLRP1 protein (p.Glu1316Lys). This variant has not been reported in the literature in individuals affected with NLRP1-related conditions. Algorithms developed to predict the effect of missense changes on protein structure and function output the following: SIFT: "Tolerated"; PolyPhen-2: "Possibly Damaging"; Align-GVGD: "Class C0". The lysine amino acid residue is found in multiple mammalian species, which suggests that this missense change does not adversely affect protein function. In summary, the available evidence is currently insufficient to determine the role of this variant in disease. Therefore, it has been classified as a Variant of Uncertain Significance.